The following is an entry in ClinVar:

ClinVar aggregate classification (germline): Uncertain significance (1 of 4 stars; one submission).

Conditions:
Frontotemporal dementia and/or amyotrophic lateral sclerosis 4. Also called: FTDALS4. Identifiers: Orphanet 275872, MedGen C4225325, MONDO:0014641, OMIM 616439.

Submission:

Labcorp Genetics (formerly Invitae), Labcorp
Classification: Uncertain significance for Frontotemporal dementia and/or amyotrophic lateral sclerosis 4. Last evaluated: 2021-06-08. Review status: criteria provided, single submitter. Criteria: Invitae Variant Classification Sherloc (09022015). Collection method: clinical testing. Allele origin: germline.
Comment: This sequence change replaces valine with methionine at codon 58 of the TBK1 protein (p.Val58Met). The valine residue is highly conserved and there is a small physicochemical difference between valine and methionine. This variant is not present in population databases (ExAC no frequency). This variant has not been reported in the literature in individuals with TBK1-related conditions. Advanced modeling of protein sequence and biophysical properties (such as structural, functional, and spatial information, amino acid conservation, physicochemical variation, residue mobility, and thermodynamic stability) performed at Invitae indicates that this missense variant is not expected to disrupt TBK1 protein function. In summary, the available evidence is currently insufficient to determine the role of this variant in disease. Therefore, it has been classified as a Variant of Uncertain Significance.

NM_013254.4(TBK1):c.172G>A (p.Val58Met)

Gene: TBK1 (TANK binding kinase 1; plus strand). Cytogenetic location: 12q14.2.
Variant type: single nucleotide variant.
Coding change: c.172G>A on transcript NM_013254.4 (MANE Select); coding-DNA position 172, G replaced by A.
Protein change: p.Val58Met; replaces valine 58 with methionine.
Molecular consequence: missense variant.
Genome position (GRCh38, 1-based): chr12:64,460,273, G>A. VCF-style: chr12-64460273-G-A. GRCh37 (hg19) VCF-style: chr12-64854053-G-A.
Other names: short protein forms V58M.
Identifiers: ClinVar variation 1360037 (VCV001360037.8), dbSNP rs1042991833, ClinGen allele CA238250180.